The following is an entry in ClinVar:

ClinVar aggregate classification (germline): Uncertain significance (1 of 4 stars; one submission).

Conditions:
Cardiovascular phenotype. Identifiers: MedGen CN230736.

gnomAD v4.1: 3 of 1,614,074 alleles (0.00019%); highest among the groups gnomAD compares: Non-Finnish European, 0.00025%; no homozygotes.

Submission:

Ambry Genetics
Classification: Uncertain significance for Cardiovascular phenotype. Last evaluated: 2025-12-04. Review status: criteria provided, single submitter. Criteria: Ambry Variant Classification Scheme 2023. Collection method: clinical testing. Allele origin: germline.
Comment: The p.I1360T variant (also known as c.4079T>C), located in coding exon 52 of the COL1A2 gene, results from a T to C substitution at nucleotide position 4079. The isoleucine at codon 1360 is replaced by threonine, an amino acid with similar properties. This amino acid position is conserved. In addition, the in silico prediction for this alteration is inconclusive. Based on the available evidence, the clinical significance of this variant remains unclear.

NM_000089.4(COL1A2):c.4079T>C (p.Ile1360Thr)

Gene: COL1A2 (collagen type I alpha 2 chain; plus strand). Cytogenetic location: 7q21.3.
Variant type: single nucleotide variant.
Coding change: c.4079T>C on transcript NM_000089.4 (MANE Select); coding-DNA position 4079, T replaced by C.
Protein change: p.Ile1360Thr; replaces isoleucine 1360 with threonine.
Molecular consequence: missense variant.
Genome position (GRCh38, 1-based): chr7:94,430,371, T>C. VCF-style: chr7-94430371-T-C. GRCh37 (hg19) VCF-style: chr7-94059683-T-C.
Other names: short protein forms I1360T.
Identifiers: ClinVar variation 4613935 (VCV004613935.1).